The following is an entry in ClinVar:

NM_007059.4(KPTN):c.537G>A (p.Leu179=)

Gene: KPTN (kaptin, actin binding protein; minus strand). Cytogenetic location: 19q13.32.
Variant type: single nucleotide variant.
Coding change: c.537G>A on transcript NM_007059.4 (MANE Select); coding-DNA position 537, G replaced by A.
Protein change: p.Leu179=; no amino-acid change (leucine 179 retained).
Molecular consequence: synonymous variant. On other transcripts: non-coding transcript variant (1).
Genome position (GRCh38, 1-based): chr19:47,480,822, C>T on the plus strand (G>A on the coding strand, the complement: KPTN is on the minus strand). VCF-style: chr19-47480822-C-T. GRCh37 (hg19) VCF-style: chr19-47984079-C-T.
Other names: c.369G>A, p.Leu123= (NM_001291296.2).
Identifiers: ClinVar variation 1675752 (VCV001675752.38), dbSNP rs376276602, ClinGen allele CA9540393.
Genomic context (GRCh38, chr19:47,480,822, plus strand): 5'-ACTGGTCAGGTTCGTCAGCTCTGGGAAGAGGTTTTCCACGGGCTGTTCCTCAAACTGATG[C>T]AGCCCCTCGTTCTGGGGAAACCAAGACCCACCCCACCCCCGCTTAAGTCAGCCGTCAGCT-3'
Protein context (NP_008990.2, residues 169-189): AIHLYKENEG[Leu179=]HQFEEQPVEN

ClinVar aggregate classification (germline): Likely benign. Review status: criteria provided, multiple submitters, no conflicts (2 of 4 stars). 2 submissions from 2 submitters: Likely benign (2). Last evaluated 2024-01-01.

Conditions:
Macrocephaly-developmental delay syndrome (MRT41). Also called: INTELLECTUAL DEVELOPMENTAL DISORDER, AUTOSOMAL RECESSIVE 41. Identifiers: Orphanet 397612, MedGen C3810225, MONDO:0014289, OMIM 615637.

Allele frequency attached by ClinVar (database versions not stated): ExAC 0.00007; gnomAD exomes 0.00009 and 0.00014; gnomAD 0.00013 and 0.00014; 1000 Genomes Project 0.00020; TOPMed 0.00022; 1000 Genomes Project 30x 0.00031; ESP Exome Variant Server 0.00033.
gnomAD v4.1: 229 of 1,614,104 alleles (0.014%); highest among the groups gnomAD compares: African/African-American, 0.029%; no homozygotes.

Submissions (2):

Labcorp Genetics (formerly Invitae), Labcorp
Classification: Likely benign for Macrocephaly-developmental delay syndrome. Last evaluated: 2024-01-01. Review status: criteria provided, single submitter. Criteria: Invitae Variant Classification Sherloc (09022015). Collection method: clinical testing. Allele origin: germline.

CeGaT Center for Human Genetics Tuebingen
Classification: Likely benign. Last evaluated: 2022-03-01. Review status: criteria provided, single submitter. Criteria: CeGaT Center For Human Genetics Tuebingen Variant Classification Criteria Version 2. Collection method: clinical testing. Allele origin: germline. Affected: yes. Observed: 1 variant allele.
Comment: KPTN: BP4, BP7